The following is an entry in ClinVar:

NM_004186.5(SEMA3F):c.964C>G (p.Leu322Val)

Gene: SEMA3F (semaphorin 3F; plus strand). Cytogenetic location: 3p21.31.
Variant type: single nucleotide variant.
Coding change: c.964C>G on transcript NM_004186.5 (MANE Select); coding-DNA position 964, C replaced by G.
Protein change: p.Leu322Val; replaces leucine 322 with valine.
Molecular consequence: missense variant.
Genome position (GRCh38, 1-based): chr3:50,182,964, C>G. VCF-style: chr3-50182964-C-G. GRCh37 (hg19) VCF-style: chr3-50220397-C-G.
Other names: c.667C>G, p.Leu223Val (NM_001318798.2); c.871C>G, p.Leu291Val (NM_001318800.2); short protein forms L322V, L223V, L291V.
Identifiers: ClinVar variation 4992249 (VCV004992249.1).

ClinVar aggregate classification (germline): Uncertain significance (1 of 4 stars; one submission).

Conditions:
SEMA3F-related disorder. Also called: SEMA3F-related condition.

gnomAD v4.1: 10 of 1,613,878 alleles (0.00062%); highest among the groups gnomAD compares: African/African-American, 0.013%; no homozygotes.

Submission:

PreventionGenetics, part of Exact Sciences
Classification: Uncertain significance for SEMA3F-related condition. Last evaluated: 2026-04-27. Review status: criteria provided, single submitter. Criteria: ACMG Guidelines, 2015. Collection method: clinical testing. Allele origin: germline.
Comment: The SEMA3F c.964C>G variant is predicted to result in the amino acid substitution p.Leu322Val. To our knowledge, this variant has not been reported in the literature. This variant is reported in 0.016% of alleles in individuals of African descent in gnomAD. At this time, the clinical significance of this variant is uncertain due to the absence of conclusive functional and genetic evidence.